The following is an entry in ClinVar:

ClinVar aggregate classification (germline): Uncertain significance (1 of 4 stars; one submission).

Allele frequency attached by ClinVar (database versions not stated): gnomAD exomes below 0.00001.
gnomAD v4.1: 1 of 1,614,098 alleles (0.000062%); highest among the groups gnomAD compares: Non-Finnish European, 0.000085%; no homozygotes.

Submission:

Labcorp Genetics (formerly Invitae), Labcorp
Classification: Uncertain significance. Last evaluated: 2021-12-28. Review status: criteria provided, single submitter. Criteria: Invitae Variant Classification Sherloc (09022015). Collection method: clinical testing. Allele origin: germline.
Comment: In summary, the available evidence is currently insufficient to determine the role of this variant in disease. Therefore, it has been classified as a Variant of Uncertain Significance. Algorithms developed to predict the effect of missense changes on protein structure and function output the following: SIFT: "Deleterious"; PolyPhen-2: "Not Available"; Align-GVGD: "Class C0". The threonine amino acid residue is found in multiple mammalian species, which suggests that this missense change does not adversely affect protein function. This variant has not been reported in the literature in individuals affected with TOPORS-related conditions. This variant is not present in population databases (gnomAD no frequency). This sequence change replaces arginine, which is basic and polar, with threonine, which is neutral and polar, at codon 645 of the TOPORS protein (p.Arg645Thr).

NM_005802.5(TOPORS):c.1934G>C (p.Arg645Thr)

Gene: TOPORS (TOP1 binding arginine/serine rich protein, E3 ubiquitin ligase; minus strand). Cytogenetic location: 9p21.1.
Variant type: single nucleotide variant.
Coding change: c.1934G>C on transcript NM_005802.5 (MANE Select); coding-DNA position 1934, G replaced by C.
Protein change: p.Arg645Thr; replaces arginine 645 with threonine.
Molecular consequence: missense variant.
Genome position (GRCh38, 1-based): chr9:32,542,591, C>G on the plus strand (G>C on the coding strand, the complement: TOPORS is on the minus strand). VCF-style: chr9-32542591-C-G. GRCh37 (hg19) VCF-style: chr9-32542589-C-G.
Other names: c.1739G>C, p.Arg580Thr (NM_001195622.2); short protein forms R580T, R645T.
Identifiers: ClinVar variation 2063868 (VCV002063868.4), dbSNP rs1436703294, ClinGen allele CA373167309.